The following is an entry in ClinVar:

ClinVar aggregate classification (germline): Uncertain significance. Review status: criteria provided, multiple submitters, no conflicts (2 of 4 stars). 2 submissions from 2 submitters: Uncertain significance (2). Last evaluated 2025-06-07.

Allele frequency attached by ClinVar (database versions not stated): TOPMed 0.00005; ExAC 0.00004; ESP Exome Variant Server 0.00008; gnomAD 0.00005.
gnomAD v4.1: 10 of 1,612,390 alleles (0.00062%); highest among the groups gnomAD compares: African/African-American, 0.012%; no homozygotes.

Submissions (2):

Ambry Genetics
Classification: Uncertain significance. Last evaluated: 2025-06-07. Review status: criteria provided, single submitter. Criteria: Ambry Variant Classification Scheme 2023. Collection method: clinical testing. Allele origin: germline.

Labcorp Genetics (formerly Invitae), Labcorp
Classification: Uncertain significance. Last evaluated: 2023-05-05. Review status: criteria provided, single submitter. Criteria: Invitae Variant Classification Sherloc (09022015). Collection method: clinical testing. Allele origin: germline.
Comment: This sequence change replaces serine, which is neutral and polar, with threonine, which is neutral and polar, at codon 18 of the POC5 protein (p.Ser18Thr). This variant is present in population databases (rs369367879, gnomAD 0.03%). This variant has not been reported in the literature in individuals affected with POC5-related conditions. ClinVar contains an entry for this variant (Variation ID: 2078811). An algorithm developed to predict the effect of missense changes on protein structure and function (PolyPhen-2) suggests that this variant is likely to be tolerated. In summary, the available evidence is currently insufficient to determine the role of this variant in disease. Therefore, it has been classified as a Variant of Uncertain Significance.

NM_001099271.2(POC5):c.53G>C (p.Ser18Thr)

Gene: POC5 (POC5 centriolar protein; minus strand). Cytogenetic location: 5q13.3.
Variant type: single nucleotide variant.
Coding change: c.53G>C on transcript NM_001099271.2 (MANE Select); coding-DNA position 53, G replaced by C.
Protein change: p.Ser18Thr; replaces serine 18 with threonine.
Molecular consequence: missense variant.
Genome position (GRCh38, 1-based): chr5:75,712,885, C>G on the plus strand (G>C on the coding strand, the complement: POC5 is on the minus strand). VCF-style: chr5-75712885-C-G. GRCh37 (hg19) VCF-style: chr5-75008710-C-G.
Other names: c.53G>C (NM_001099271.1); short protein forms S18T.
Identifiers: ClinVar variation 2078811 (VCV002078811.5), dbSNP rs369367879, ClinGen allele CA3310704.